The following is an entry in ClinVar:

NM_004656.4(BAP1):c.2171A>G (p.Tyr724Cys)

Gene: BAP1 (BRCA1 associated deubiquitinase 1; minus strand). Cytogenetic location: 3p21.1.
Variant type: single nucleotide variant.
Coding change: c.2171A>G on transcript NM_004656.4 (MANE Select); coding-DNA position 2171, A replaced by G.
Protein change: p.Tyr724Cys; replaces tyrosine 724 with cysteine.
Molecular consequence: missense variant.
Genome position (GRCh38, 1-based): chr3:52,402,307, T>C on the plus strand (A>G on the coding strand, the complement: BAP1 is on the minus strand). VCF-style: chr3-52402307-T-C. GRCh37 (hg19) VCF-style: chr3-52436323-T-C.
Other names: c.2117A>G, p.Tyr706Cys (NM_001410772.1); short protein forms Y706C, Y724C.
Identifiers: ClinVar variation 2450445 (VCV002450445.5), dbSNP rs2471318372, ClinGen allele CA353093960.

ClinVar aggregate classification (germline): Uncertain significance. Review status: criteria provided, multiple submitters, no conflicts (2 of 4 stars). 2 submissions from 2 submitters: Uncertain significance (2). Last evaluated 2023-03-03.

Conditions:
BAP1-related tumor predisposition syndrome (TPDS1). Also called: BAP1 tumor predisposition syndrome; Tumor susceptibility linked to germline BAP1 mutations; TUMOR PREDISPOSITION SYNDROME 1; COMMON Syndrome. Identifiers: Orphanet 289539, MedGen C3280492, MONDO:0013692, OMIM 614327.
Hereditary cancer-predisposing syndrome. Also called: Neoplastic Syndromes, Hereditary; Tumor predisposition; Hereditary neoplastic syndrome; Hereditary Cancer Syndrome. Identifiers: Orphanet 140162, MedGen C0027672, MeSH D009386, MONDO:0015356.

Submissions (2):

Ambry Genetics
Classification: Uncertain significance for Hereditary cancer-predisposing syndrome. Last evaluated: 2023-03-03. Review status: criteria provided, single submitter. Criteria: Ambry Variant Classification Scheme 2023. Collection method: clinical testing. Allele origin: germline.
Comment: The p.Y724C variant (also known as c.2171A>G), located in coding exon 17 of the BAP1 gene, results from an A to G substitution at nucleotide position 2171. The tyrosine at codon 724 is replaced by cysteine, an amino acid with highly dissimilar properties. This amino acid position is conserved. In addition, the in silico prediction for this alteration is inconclusive. Since supporting evidence is limited at this time, the clinical significance of this alteration remains unclear.

Labcorp Genetics (formerly Invitae), Labcorp
Classification: Uncertain significance for BAP1-related tumor predisposition syndrome. Last evaluated: 2022-10-30. Review status: criteria provided, single submitter. Criteria: Invitae Variant Classification Sherloc (09022015). Collection method: clinical testing. Allele origin: germline.
Comment: Advanced modeling of protein sequence and biophysical properties (such as structural, functional, and spatial information, amino acid conservation, physicochemical variation, residue mobility, and thermodynamic stability) performed at Invitae indicates that this missense variant is not expected to disrupt BAP1 protein function. In summary, the available evidence is currently insufficient to determine the role of this variant in disease. Therefore, it has been classified as a Variant of Uncertain Significance. This variant has not been reported in the literature in individuals affected with BAP1-related conditions. This variant is not present in population databases (gnomAD no frequency). This sequence change replaces tyrosine, which is neutral and polar, with cysteine, which is neutral and slightly polar, at codon 724 of the BAP1 protein (p.Tyr724Cys).